The following is an entry in ClinVar:

ClinVar aggregate classification (germline): Uncertain significance (1 of 4 stars; one submission).

gnomAD v4.1: 1 of 1,614,156 alleles (0.000062%); highest among the groups gnomAD compares: East Asian, 0.0022%; no homozygotes.

Submission:

Labcorp Genetics (formerly Invitae), Labcorp
Classification: Uncertain significance. Last evaluated: 2024-08-13. Review status: criteria provided, single submitter. Criteria: Invitae Variant Classification Sherloc (09022015). Collection method: clinical testing. Allele origin: germline.
Comment: This sequence change replaces isoleucine, which is neutral and non-polar, with threonine, which is neutral and polar, at codon 35 of the PSMG2 protein (p.Ile35Thr). This variant is not present in population databases (gnomAD no frequency). This variant has not been reported in the literature in individuals affected with PSMG2-related conditions. An algorithm developed to predict the effect of missense changes on protein structure and function (PolyPhen-2) suggests that this variant is likely to be disruptive. In summary, the available evidence is currently insufficient to determine the role of this variant in disease. Therefore, it has been classified as a Variant of Uncertain Significance.

NM_020232.5(PSMG2):c.104T>C (p.Ile35Thr)

Gene: PSMG2 (proteasome assembly chaperone 2; plus strand). Cytogenetic location: 18p11.21.
Variant type: single nucleotide variant.
Coding change: c.104T>C on transcript NM_020232.5 (MANE Select); coding-DNA position 104, T replaced by C.
Protein change: p.Ile35Thr; replaces isoleucine 35 with threonine.
Molecular consequence: missense variant.
Genome position (GRCh38, 1-based): chr18:12,706,596, T>C. VCF-style: chr18-12706596-T-C. GRCh37 (hg19) VCF-style: chr18-12706595-T-C.
Other names: c.11T>C, p.Ile4Thr (NM_147163.2); short protein forms I4T, I35T.
Identifiers: ClinVar variation 3662317 (VCV003662317.2).
Genomic context (GRCh38, chr18:12,706,596, plus strand): 5'-TTTTATAATTTCAGCCAGCAGTATCTGTTGGAAATGTTGGCCAGCTTGCAATGGATCTGA[T>C]TATTTCTACACTGAATATGTCTAAGATTGGTTACTTCTATACCGATTGTCTTGTGCCAAT-3'
Protein context (NP_064617.2, residues 25-45): GNVGQLAMDL[Ile35Thr]ISTLNMSKIG